The following is an entry in ClinVar:

ClinVar aggregate classification (germline): Uncertain significance. Review status: criteria provided, multiple submitters, no conflicts (2 of 4 stars). 2 submissions from 2 submitters: Uncertain significance (2). Last evaluated 2024-01-11.

Conditions:
Retinitis pigmentosa 80 (RP80). Identifiers: MedGen C4540439, MONDO:0054708, OMIM 617781.
Saldino-Mainzer syndrome (SRTD9). Also called: CONORENAL SYNDROME; Renal dysplasia, retinal pigmentary dystrophy, cerebellar ataxia and skeletal dysplasia; short-rib thoracic dysplasia 9 with or without polydactyly; SHORT-RIB THORACIC DYSPLASIA 9 WITHOUT POLYDACTYLY. Identifiers: Orphanet 140969, MedGen C1849437, MONDO:0009964, OMIM 266920.

gnomAD v4.1: 2 of 1,608,382 alleles (0.00012%); highest among the groups gnomAD compares: Admixed American, 0.0017%; no homozygotes.

Submissions (2):

Fulgent Genetics
Classification: Uncertain significance for Saldino-Mainzer syndrome; Retinitis pigmentosa 80. Last evaluated: 2024-01-11. Review status: criteria provided, single submitter. Criteria: ACMG Guidelines, 2015. Collection method: clinical testing. Allele origin: germline.

GeneDx
Classification: Uncertain significance. Last evaluated: 2023-11-18. Review status: criteria provided, single submitter. Criteria: GeneDx Variant Classification Process June 2021. Collection method: clinical testing. Allele origin: germline. Affected: yes.
Comment: Not observed at significant frequency in large population cohorts (gnomAD); In silico analysis supports that this missense variant has a deleterious effect on protein structure/function; Has not been previously published as pathogenic or benign to our knowledge

NM_014714.4(IFT140):c.3096C>G (p.Phe1032Leu)

Genes: IFT140 (intraflagellar transport 140; minus strand), LOC126862260 (CDK7 strongly-dependent group 2 enhancer GRCh37_chr16:1574508-1575707; plus strand). Cytogenetic location: 16p13.3.
Variant type: single nucleotide variant.
Coding change: c.3096C>G on transcript NM_014714.4 (MANE Select); coding-DNA position 3096, C replaced by G.
Protein change: p.Phe1032Leu; replaces phenylalanine 1032 with leucine.
Molecular consequence: missense variant.
Genome position (GRCh38, 1-based): chr16:1,524,597, G>C on the plus strand (C>G on the coding strand, the complement: IFT140 is on the minus strand). VCF-style: chr16-1524597-G-C. GRCh37 (hg19) VCF-style: chr16-1574598-G-C.
Other names: short protein forms F1032L.
Identifiers: ClinVar variation 3364394 (VCV003364394.2).